The following is an entry in ClinVar:

ClinVar aggregate classification (germline): Uncertain significance (1 of 4 stars; one submission).

Conditions:
TTN-related disorder. Also called: TTN-related condition; TTN-related disease; TTN-related disorders.

gnomAD v4.1: 11 of 1,613,536 alleles (0.00068%); highest among the groups gnomAD compares: Admixed American, 0.0033%; no homozygotes.

Submission:

PreventionGenetics, part of Exact Sciences
Classification: Uncertain significance for TTN-related condition. Last evaluated: 2025-07-15. Review status: criteria provided, single submitter. Criteria: ACMG Guidelines, 2015. Collection method: clinical testing. Allele origin: germline.
Comment: The TTN c.69586G>A variant is predicted to result in the amino acid substitution p.Asp23196Asn. To our knowledge, this variant has not been reported in the literature. This variant is reported in 0.0029% of alleles in individuals of Latino descent in gnomAD. At this time, the clinical significance of this variant is uncertain due to the absence of conclusive functional and genetic evidence.

NM_001267550.2(TTN):c.69586G>A (p.Asp23196Asn)

Genes: TTN (titin; minus strand), TTN-AS1 (TTN antisense RNA 1; plus strand), LOC126806422 (BRD4-independent group 4 enhancer GRCh37_chr2:179440205-179441404; plus strand). Cytogenetic location: 2q31.2.
Variant type: single nucleotide variant.
Coding change: c.69586G>A on transcript NM_001267550.2 (MANE Select); coding-DNA position 69586, G replaced by A.
Protein change: p.Asp23196Asn; replaces aspartic acid 23196 with asparagine.
Molecular consequence: missense variant.
Genome position (GRCh38, 1-based): chr2:178,576,658, C>T on the plus strand (G>A on the coding strand, the complement: TTN is on the minus strand). VCF-style: chr2-178576658-C-T. GRCh37 (hg19) VCF-style: chr2-179441385-C-T.
Other names: c.64663G>A, p.Asp21555Asn (NM_001256850.1); c.42391G>A, p.Asp14131Asn (NM_003319.4); c.61882G>A, p.Asp20628Asn (NM_133378.4); c.42766G>A, p.Asp14256Asn (NM_133432.3); c.42967G>A, p.Asp14323Asn (NM_133437.4); short protein forms D23196N, D14131N, D20628N, D14256N, D14323N, D21555N.
Identifiers: ClinVar variation 4977947 (VCV004977947.1).